The following is an entry in ClinVar:

NM_133261.3(GIPC3):c.*605T>C

Gene: GIPC3 (GIPC PDZ domain containing family member 3; plus strand). Cytogenetic location: 19p13.3.
Variant type: single nucleotide variant.
Coding change: c.*605T>C on transcript NM_133261.3 (MANE Select); 605 bases downstream of the stop codon, T replaced by C.
Molecular consequence: 3 prime UTR variant. On other transcripts: synonymous variant (1).
Genome position (GRCh38, 1-based): chr19:3,590,795, T>C. VCF-style: chr19-3590795-T-C. GRCh37 (hg19) VCF-style: chr19-3590793-T-C.
Other names: c.1557T>C, p.Ser519= (NM_001411144.1).
Identifiers: ClinVar variation 4084472 (VCV004084472.8).
Genomic context (GRCh38, chr19:3,590,795, plus strand): 5'-CAGCTCTAGAACTCAGATGGGCTCTGAGACCGAGCCCAGCTCTAGAACTCAGATGGGCTC[T>C]GAGACCGAGCCCAGCTCTAGAACTCAGATGGGCTCTGAGACCATGCCCAGCTCTAGAACT-3'

ClinVar aggregate classification (germline): Likely benign (1 of 4 stars; one submission).

gnomAD v4.1: 213 of 1,234,450 alleles (0.017%); highest among the groups gnomAD compares: African/African-American, 0.32%; 2 homozygotes.

Submission:

CeGaT Center for Human Genetics Tuebingen
Classification: Likely benign. Last evaluated: 2026-08-01. Review status: criteria provided, single submitter. Criteria: CeGaT Center For Human Genetics Tuebingen Variant Classification Criteria Version 2. Collection method: clinical testing. Allele origin: germline. Affected: yes. Observed: 3 variant alleles.
Comment: GIPC3: BP4, BP7